The following is an entry in ClinVar:

ClinVar aggregate classification (germline): Uncertain significance (1 of 4 stars; one submission).

Conditions:
Torsion dystonia 6 (DYT6). Also called: DYT-THAP1. Identifiers: Orphanet 98806, MedGen C1414216, MONDO:0011264, OMIM 602629.

Allele frequency attached by ClinVar (database versions not stated): gnomAD exomes below 0.00001.

Submission:

Labcorp Genetics (formerly Invitae), Labcorp
Classification: Uncertain significance for Torsion dystonia 6. Last evaluated: 2016-08-03. Review status: criteria provided, single submitter. Criteria: Invitae Variant Classification Sherloc (09022015). Collection method: clinical testing. Allele origin: germline.
Comment: This sequence change replaces tyrosine with cysteine at codon 50 of the THAP1 protein (p.Tyr50Cys). The tyrosine residue is highly conserved and there is a large physicochemical difference between tyrosine and cysteine. This variant is not present in population databases (ExAC no frequency) and has not been reported in the literature in individuals with a THAP1-related disease. Algorithms developed to predict the effect of missense changes on protein structure and function do not agree on the potential impact of this missense change (SIFT: "Tolerated"; PolyPhen-2: "Probably Damaging"; Align-GVGD: "Class C0"). In summary, this variant is a novel missense change with uncertain impact on protein function. It has been classified as a Variant of Uncertain Significance.

NM_018105.3(THAP1):c.149A>G (p.Tyr50Cys)

Gene: THAP1 (THAP domain containing 1; minus strand). Cytogenetic location: 8p11.21.
Variant type: single nucleotide variant.
Coding change: c.149A>G on transcript NM_018105.3 (MANE Select); coding-DNA position 149, A replaced by G.
Protein change: p.Tyr50Cys; replaces tyrosine 50 with cysteine.
Molecular consequence: missense variant. On other transcripts: intron variant (1).
Genome position (GRCh38, 1-based): chr8:42,839,304, T>C on the plus strand (A>G on the coding strand, the complement: THAP1 is on the minus strand). VCF-style: chr8-42839304-T-C. GRCh37 (hg19) VCF-style: chr8-42694447-T-C.
Other names: c.72-968A>G (NM_199003.2); short protein forms Y50C.
Identifiers: ClinVar variation 463441 (VCV000463441.5), dbSNP rs1554599710, ClinGen allele CA371108009.
Genomic context (GRCh38, chr8:42,839,304, plus strand): 5'-TTGTTGTTGCACTCTCTCTTAAAGCAGTCTGGAGTAAAGTGCTCTGAACAAATACTGCTA[T>C]ACTTGGTGGGTTTAAAGTTTTTTCTTCTGACAGCTGCCTCCCATTCTTTACAAAGACTGG-3'
Protein context (NP_060575.1, residues 40-60): VRRKNFKPTK[Tyr50Cys]SSICSEHFTP